The following is an entry in ClinVar:

ClinVar aggregate classification (germline): Conflicting classifications of pathogenicity. Review status: criteria provided, conflicting classifications (1 of 4 stars). 2 submissions from 2 submitters: Uncertain significance (1); Likely benign (1). Last evaluated 2026-01-06.

Conditions:
Hypertrophic cardiomyopathy 26. Also called: Cardiomyopathy, familial hypertrophic, 26. Identifiers: Orphanet 75249, MedGen C4310749, MONDO:0014883, OMIM 617047.
Distal myopathy with posterior leg and anterior hand involvement. Also called: WILLIAMS DISTAL MYOPATHY. Identifiers: Orphanet 63273, MedGen C3279722, MONDO:0013550, OMIM 614065.
Myofibrillar myopathy 5. Also called: FILAMINOPATHY, AUTOSOMAL DOMINANT; Filaminopathy (type). Identifiers: Orphanet 171445, MedGen C1836050, MONDO:0012289, OMIM 609524.
Cardiovascular phenotype. Identifiers: MedGen CN230736.

Allele frequency attached by ClinVar (database versions not stated): TOPMed 0.00001; ESP Exome Variant Server 0.00008; gnomAD 0.00001; gnomAD exomes 0.00001.
gnomAD v4.1: 13 of 1,613,814 alleles (0.00081%); highest among the groups gnomAD compares: East Asian, 0.013%; no homozygotes.

Submissions (2):

Labcorp Genetics (formerly Invitae), Labcorp
Classification: Likely benign for Distal myopathy with posterior leg and anterior hand involvement; Myofibrillar myopathy 5; Hypertrophic cardiomyopathy 26. Last evaluated: 2026-01-06. Review status: criteria provided, single submitter. Criteria: Invitae Variant Classification Sherloc (09022015). Collection method: clinical testing. Allele origin: germline.

Ambry Genetics
Classification: Uncertain significance for Cardiovascular phenotype. Last evaluated: 2025-06-12. Review status: criteria provided, single submitter. Criteria: Ambry Variant Classification Scheme 2023. Collection method: clinical testing. Allele origin: germline.
Comment: The c.3888G>A variant (also known as p.S1296S), located in coding exon 22 of the FLNC gene, results from a G to A substitution at nucleotide position 3888. This nucleotide substitution does not change the serine at codon 1296. This nucleotide position is not well conserved in available vertebrate species. In silico splice site analysis predicts that this alteration will result in the creation or strengthening of a novel splice acceptor site. Since supporting evidence is limited at this time, the clinical significance of this alteration remains unclear.

NM_001458.5(FLNC):c.3888G>A (p.Ser1296=)

Gene: FLNC (filamin C; plus strand). Cytogenetic location: 7q32.1.
Variant type: single nucleotide variant.
Coding change: c.3888G>A on transcript NM_001458.5 (MANE Select); coding-DNA position 3888, G replaced by A.
Protein change: p.Ser1296=; no amino-acid change (serine 1296 retained).
Molecular consequence: synonymous variant.
Genome position (GRCh38, 1-based): chr7:128,846,087, G>A. VCF-style: chr7-128846087-G-A. GRCh37 (hg19) VCF-style: chr7-128486141-G-A.
Other names: c.3888G>A, p.Ser1296= (NM_001127487.2).
Identifiers: ClinVar variation 2039426 (VCV002039426.7), dbSNP rs374182158, ClinGen allele CA166180010.